The following is an entry in ClinVar:

ClinVar aggregate classification (germline): Uncertain significance (1 of 4 stars; one submission).

Submission:

Labcorp Genetics (formerly Invitae), Labcorp
Classification: Uncertain significance. Last evaluated: 2025-03-20. Review status: criteria provided, single submitter. Criteria: Invitae Variant Classification Sherloc (09022015). Collection method: clinical testing. Allele origin: germline.
Comment: This sequence change replaces arginine, which is basic and polar, with lysine, which is basic and polar, at codon 858 of the CLTC protein (p.Arg858Lys). This variant also falls at the last nucleotide of exon 16, which is part of the consensus splice site for this exon. This variant is not present in population databases (gnomAD no frequency). This variant has not been reported in the literature in individuals affected with CLTC-related conditions. Experimental studies and prediction algorithms are not available or were not evaluated, and the functional significance of this variant is currently unknown. Variants that disrupt the consensus splice site are a relatively common cause of aberrant splicing (PMID: 17576681, 9536098). Algorithms developed to predict the effect of sequence changes on RNA splicing suggest that this variant may disrupt the consensus splice site. In summary, the available evidence is currently insufficient to determine the role of this variant in disease. Therefore, it has been classified as a Variant of Uncertain Significance.

Literature cited by the submitters: PubMed 17576681; PubMed 9536098.

NM_004859.4(CLTC):c.2561G>A (p.Arg854Lys)

Gene: CLTC (clathrin heavy chain; plus strand). Cytogenetic location: 17q23.1.
Variant type: single nucleotide variant.
Coding change: c.2561G>A on transcript NM_004859.4 (MANE Select); coding-DNA position 2561, G replaced by A.
Protein change: p.Arg854Lys; replaces arginine 854 with lysine.
Molecular consequence: missense variant.
Genome position (GRCh38, 1-based): chr17:59,674,843, G>A. VCF-style: chr17-59674843-G-A. GRCh37 (hg19) VCF-style: chr17-57752204-G-A.
Other names: c.2573G>A, p.Arg858Lys (NM_001288653.2); short protein forms R858K, R854K.
Identifiers: ClinVar variation 4715583 (VCV004715583.1).